The following is an entry in ClinVar:

NM_001963.6(EGF):c.2221+4C>T

Genes: EGF (epidermal growth factor; plus strand), LOC126807134 (BRD4-independent group 4 enhancer GRCh37_chr4:110900995-110902194; plus strand). Cytogenetic location: 4q25.
Variant type: single nucleotide variant.
Coding change: c.2221+4C>T on transcript NM_001963.6 (MANE Select); 4 bases into the intron after coding-DNA position 2221, C replaced by T.
Molecular consequence: intron variant.
Genome position (GRCh38, 1-based): chr4:109,980,143, C>T. VCF-style: chr4-109980143-C-T. GRCh37 (hg19) VCF-style: chr4-110901299-C-T.
Other names: c.2221+4C>T (NM_001178130.3); c.2095+4C>T (NM_001178131.3, NM_001357021.2).
Identifiers: ClinVar variation 2155202 (VCV002155202.5), dbSNP rs374744027, ClinGen allele CA3043894.
Genomic context (GRCh38, chr4:109,980,143, plus strand): 5'-AAGGCAGCATGCTGAAGCCCTCATCACTGGTTGTGGTTCATCCATTGGCAAAACCAGGTA[C>T]ATACTGGAGATGTTACACAGTCTTTCCTTGGCTGGAATCTGCAACTGTTTTAATTGTTTG-3'

ClinVar aggregate classification (germline): Uncertain significance. Review status: criteria provided, multiple submitters, no conflicts (2 of 4 stars). 2 submissions from 2 submitters: Uncertain significance (2). Last evaluated 2025-08-11.

Conditions:
Renal hypomagnesemia 4. Also called: HYPOMAGNESEMIA, RENAL, NORMOCALCIURIC. Identifiers: Orphanet 34527, MedGen C2673648, MONDO:0012717, OMIM 611718.

Allele frequency attached by ClinVar (database versions not stated): TOPMed 0.00003; gnomAD exomes 0.00004; gnomAD 0.00007; ESP Exome Variant Server 0.00008; ExAC 0.00009; 1000 Genomes Project 30x 0.00031; 1000 Genomes Project 0.00040.
gnomAD v4.1: 67 of 1,600,042 alleles (0.0042%); highest among the groups gnomAD compares: South Asian, 0.019%; no homozygotes.

Submissions (2):

Labcorp Genetics (formerly Invitae), Labcorp
Classification: Uncertain significance. Last evaluated: 2025-08-11. Review status: criteria provided, single submitter. Criteria: Invitae Variant Classification Sherloc (09022015). Collection method: clinical testing. Allele origin: germline.
Comment: This sequence change falls in intron 14 of the EGF gene. It does not directly change the encoded amino acid sequence of the EGF protein. It affects a nucleotide within the consensus splice site. This variant is present in population databases (rs374744027, gnomAD 0.03%). This variant has not been reported in the literature in individuals affected with EGF-related conditions. ClinVar contains an entry for this variant (Variation ID: 2155202). Variants that disrupt the consensus splice site are a relatively common cause of aberrant splicing (PMID: 17576681, 9536098). Algorithms developed to predict the effect of sequence changes on RNA splicing suggest that this variant is not likely to affect RNA splicing. In summary, the available evidence is currently insufficient to determine the role of this variant in disease. Therefore, it has been classified as a Variant of Uncertain Significance.

Clinical Genomics Laboratory, Stanford Medicine
Classification: Uncertain significance for Renal hypomagnesemia 4. Last evaluated: 2023-02-28. Review status: criteria provided, single submitter. Criteria: ACMG Guidelines, 2015. Collection method: clinical testing. Allele origin: germline. Observed: 1 variant allele, 1 heterozygote.

Literature cited by the submitters: PubMed 17576681 (cited by Labcorp Genetics (formerly Invitae), Labcorp); PubMed 9536098 (cited by Labcorp Genetics (formerly Invitae), Labcorp).